The following is an entry in ClinVar:

ClinVar aggregate classification (germline): Likely benign. Review status: criteria provided, single submitter (1 of 4 stars). 2 submissions from 2 submitters: Likely benign (1). 1 of the submissions does not count toward it. Last evaluated 2025-11-18.

Conditions:
LTBP4-related disorder. Also called: LTBP4-related condition.

Allele frequency attached by ClinVar (database versions not stated): gnomAD exomes 0.00001; TOPMed 0.00001; ExAC 0.00001; gnomAD 0.00001; ESP Exome Variant Server 0.00008.
gnomAD v4.1: 11 of 1,613,632 alleles (0.00068%); highest among the groups gnomAD compares: African/African-American, 0.0013%; no homozygotes.

Submissions (2):

Labcorp Genetics (formerly Invitae), Labcorp
Classification: Likely benign. Last evaluated: 2025-11-18. Review status: criteria provided, single submitter. Criteria: Invitae Variant Classification Sherloc (09022015). Collection method: clinical testing. Allele origin: germline.

PreventionGenetics, part of Exact Sciences
Classification: Likely benign for LTBP4-related condition. Last evaluated: 2019-07-11. Review status: no assertion criteria provided. Collection method: clinical testing. Allele origin: germline. Not counted in ClinVar's aggregate classification.
Comment: This variant is classified as likely benign based on ACMG/AMP sequence variant interpretation guidelines (Richards et al. 2015 PMID: 25741868, with internal and published modifications).

NM_001042545.2(LTBP4):c.2622C>A (p.Ser874=)

Gene: LTBP4 (latent transforming growth factor beta binding protein 4; plus strand). Cytogenetic location: 19q13.2.
Variant type: single nucleotide variant.
Coding change: c.2622C>A on transcript NM_001042545.2 (MANE Select); coding-DNA position 2622, C replaced by A.
Protein change: p.Ser874=; no amino-acid change (serine 874 retained).
Molecular consequence: synonymous variant.
Genome position (GRCh38, 1-based): chr19:40,613,980, C>A. VCF-style: chr19-40613980-C-A. GRCh37 (hg19) VCF-style: chr19-41119886-C-A.
Other names: c.2823C>A, p.Ser941= (NM_001042544.1); c.2712C>A, p.Ser904= (NM_003573.2).
Identifiers: ClinVar variation 2975217 (VCV002975217.5), dbSNP rs368968316, ClinGen allele CA9448741.